The following is an entry in ClinVar:

ClinVar aggregate classification (germline): Uncertain significance (1 of 4 stars; one submission).

Conditions:
Lynch syndrome. Identifiers: Orphanet 144, MedGen C4552100, MONDO:0005835. Disease mechanism: loss of function.

Submission:

All of Us Research Program, National Institutes of Health
Classification: Uncertain significance for Lynch syndrome. Last evaluated: 2024-01-12. Review status: criteria provided, single submitter. Criteria: ACMG Guidelines, 2015. Collection method: clinical testing. Allele origin: germline. Inheritance: Autosomal dominant inheritance. Observed: 1 variant allele, 1 heterozygote.
Comment: This study involves interpretation of variants in research participants for the purpose of population health screening. Participant phenotype was not available at the time of variant classification. Additional details can be found in publication PMID: 35346344, PMCID: PMC8962531

NM_000179.3(MSH6):c.3919_3920insGAT (p.Asn1307delinsArgTyr)

Gene: MSH6 (mutS homolog 6; plus strand). Cytogenetic location: 2p16.3.
Variant type: Insertion.
Coding change: c.3919_3920insGAT on transcript NM_000179.3 (MANE Select); coding-DNA positions 3919 to 3920, GAT inserted.
Protein change: p.Asn1307delinsArgTyr.
Molecular consequence: inframe indel. On other transcripts: inframe insertion (1), non-coding transcript variant (5), intron variant (1).
Genome position: GRCh38 VCF-style: chr2-47806569-A-AGAT. GRCh37 (hg19) VCF-style: chr2-48033708-A-AGAT.
Other names: c.3529_3530insGAT, p.Asn1177delinsArgTyr (NM_001281492.2); c.3013_3014insGAT, p.Asn1005delinsArgTyr (NM_001281493.2, NM_001281494.2, NM_001406811.1 and 6 more transcripts); c.4015_4016insGAT, p.Asn1339delinsArgTyr (NM_001406795.1); c.3919_3920insGAT, p.Asn1307delinsArgTyr (NM_001406796.1, NM_001406808.1, NM_001406809.1); c.3622_3623insGAT, p.Asn1208delinsArgTyr (NM_001406797.1, NM_001406801.1, NM_001406805.1 and 10 more transcripts); c.3745_3746insGAT, p.Asn1249delinsArgTyr (NM_001406798.1); c.3394_3395insGAT, p.Asn1132delinsArgTyr (NM_001406799.1, NM_001406806.1, NM_001406807.1); c.3906_3907insGAT, p.Leu1302_Ile1303insAsp (NM_001406800.1); and 9 more.
Identifiers: ClinVar variation 3074415 (VCV003074415.1), dbSNP rs2530869740, ClinGen allele CA2825001141.
Genomic context (GRCh38, chr2:47,806,569, plus strand): 5'-TATAAATTCATTAAGGGAGCTTGTCCTAAAAGCTATGGCTTTAATGCAGCAAGGCTTGCT[A>AGAT]ATCTCCCAGAGGAAGTTATTCAAAAGGGACATAGAAAAGCAAGAGAATTTGAGAAGATGA-3'